The following is an entry in ClinVar:

NM_002691.4(POLD1):c.1552C>A (p.Leu518Met)

Gene: POLD1 (DNA polymerase delta 1, catalytic subunit; plus strand). Cytogenetic location: 19q13.33.
Variant type: single nucleotide variant.
Coding change: c.1552C>A on transcript NM_002691.4 (MANE Select); coding-DNA position 1552, C replaced by A.
Protein change: p.Leu518Met; replaces leucine 518 with methionine.
Molecular consequence: missense variant. On other transcripts: non-coding transcript variant (1).
Genome position (GRCh38, 1-based): chr19:50,407,040, C>A. VCF-style: chr19-50407040-C-A. GRCh37 (hg19) VCF-style: chr19-50910297-C-A.
Other names: c.1552C>A, p.Leu518Met (NM_001256849.1, NM_001308632.1); short protein forms L518M.
Identifiers: ClinVar variation 421052 (VCV000421052.26), dbSNP rs149043082, ClinGen allele CA9596176.
Genomic context (GRCh38, chr19:50,407,040, plus strand): 5'-CAGAATGGGAACGACCAGACCCGCCGCCGCCTGGCTGTGTACTGCCTGAAGGATGCCTAC[C>A]TGCCACTGCGGCTGCTGGAGCGGCTCATGGTGCTGGTGAACGCCGTGGAGATGGCGAGGG-3'
Protein context (NP_002682.2, residues 508-528): LAVYCLKDAY[Leu518Met]PLRLLERLMV

ClinVar aggregate classification (germline): Uncertain significance. Review status: criteria provided, multiple submitters, no conflicts (2 of 4 stars). 6 submissions from 6 submitters: Uncertain significance (6). Last evaluated 2026-01-27.

Conditions:
Hereditary cancer-predisposing syndrome. Also called: Neoplastic Syndromes, Hereditary; Hereditary neoplastic syndrome; Tumor predisposition; Hereditary Cancer Syndrome. Identifiers: Orphanet 140162, MedGen C0027672, MeSH D009386, MONDO:0015356.
Inherited polyposis and early onset colorectal cancer - germline testing.
POLD1-related polyposis and colorectal cancer syndrome (CRCS10). Also called: Colorectal cancer 10; COLORECTAL CANCER, SUSCEPTIBILITY TO, ON CHROMOSOME 19q; Colorectal cancer, susceptibility to, 10. Identifiers: Orphanet 220460, MedGen C2675481, MONDO:0012953, OMIM 612591.

Allele frequency attached by ClinVar (database versions not stated): gnomAD exomes 0.00001; ExAC 0.00002; gnomAD 0.00003; TOPMed 0.00003; ESP Exome Variant Server 0.00015.
gnomAD v4.1: 21 of 1,613,692 alleles (0.0013%); highest among the groups gnomAD compares: Non-Finnish European, 0.0017%; 1 homozygote.

Submissions (6):

Labcorp Genetics (formerly Invitae), Labcorp
Classification: Uncertain significance for POLD1-related polyposis and colorectal cancer syndrome. Last evaluated: 2026-01-27. Review status: criteria provided, single submitter. Criteria: Invitae Variant Classification Sherloc (09022015). Collection method: clinical testing. Allele origin: germline.
Comment: This sequence change replaces leucine, which is neutral and non-polar, with methionine, which is neutral and non-polar, at codon 518 of the POLD1 protein (p.Leu518Met). This variant is present in population databases (rs149043082, gnomAD 0.003%). This variant has not been reported in the literature in individuals affected with POLD1-related conditions. ClinVar contains an entry for this variant (Variation ID: 421052). Invitae Evidence Modeling of protein sequence and biophysical properties (such as structural, functional, and spatial information, amino acid conservation, physicochemical variation, residue mobility, and thermodynamic stability) indicates that this missense variant is expected to disrupt POLD1 protein function with a positive predictive value of 80%. In summary, the available evidence is currently insufficient to determine the role of this variant in disease. Therefore, it has been classified as a Variant of Uncertain Significance.

Cambridge Genomics Laboratory, East Genomic Laboratory Hub, NHS Genomic Medicine Service
Classification: Uncertain significance for Inherited polyposis and early onset colorectal cancer - germline testing. Last evaluated: 2026-01-13. Review status: criteria provided, single submitter. Criteria: ACGS Best Practice Guidelines for Variant Classification in Rare Disease 2020. Collection method: clinical testing. Allele origin: germline. Affected: yes.

Ambry Genetics
Classification: Uncertain significance for Hereditary cancer-predisposing syndrome. Last evaluated: 2025-04-12. Review status: criteria provided, single submitter. Criteria: Ambry Variant Classification Scheme 2023. Collection method: clinical testing. Allele origin: germline.
Comment: The p.L518M variant (also known as c.1552C>A), located in coding exon 12 of the POLD1 gene, results from a C to A substitution at nucleotide position 1552. The leucine at codon 518 is replaced by methionine, an amino acid with highly similar properties. This amino acid position is highly conserved in available vertebrate species. In addition, the in silico prediction for this alteration is inconclusive. Based on the available evidence, the clinical significance of this variant remains unclear.

Baylor Genetics
Classification: Uncertain significance for POLD1-related polyposis and colorectal cancer syndrome. Last evaluated: 2024-03-21. Review status: criteria provided, single submitter. Criteria: ACMG Guidelines, 2015. Collection method: clinical testing. Allele origin: unknown.

GeneDx
Classification: Uncertain significance. Last evaluated: 2023-06-05. Review status: criteria provided, single submitter. Criteria: GeneDx Variant Classification Process June 2021. Collection method: clinical testing. Allele origin: germline. Affected: yes.
Comment: Has not been previously published as pathogenic or benign to our knowledge; Not observed at significant frequency in large population cohorts (gnomAD); In silico analysis supports that this missense variant does not alter protein structure/function; This variant is associated with the following publications: (PMID: 26344056, 20951805)

Laboratory for Molecular Medicine, Mass General Brigham Personalized Medicine
Classification: Uncertain significance. Last evaluated: 2017-02-27. Review status: criteria provided, single submitter. Criteria: LMM Criteria. Collection method: clinical testing. Allele origin: germline. Observed: 1 variant allele.
Comment: The p.Leu518Met variant in POLD1 has not been previously reported in individuals with colorectal cancer, but has been identified in 2/66222 of European chromoso mes by the Exome Aggregation Consortium (ExAC; d bSNP rs149043082). Computational prediction tools and conservation analysis sugg est that the p.Leu518Met variant may impact the protein, though this information is not predictive enough to determine pathogenicity. In summary, the clinical s ignificance of the p.Leu518Met variant is uncertain.